The following is an entry in ClinVar:

ClinVar aggregate classification (germline): Pathogenic (1 of 4 stars; one submission).

Conditions:
Cardiovascular phenotype. Identifiers: MedGen CN230736.

Submission:

Ambry Genetics
Classification: Pathogenic for Cardiovascular phenotype. Last evaluated: 2024-01-09. Review status: criteria provided, single submitter. Criteria: Ambry Variant Classification Scheme 2023. Collection method: clinical testing. Allele origin: germline.
Comment: The c.9115delG (p.D3039Mfs*21) alteration, located in exon 38 (coding exon 38) of the ANK2 gene, consists of a deletion of one nucleotide at position 9115, causing a translational frameshift with a predicted alternate stop codon after 21 amino acids. This gene has multiple alternatively spliced isoforms, and coding exon 38 is expressed only in a brain-specific 440 kD ankyrin-B isoform (reviewed in Cunha, 2008). This alteration is expected to result in loss of function by premature protein truncation or nonsense-mediated mRNA decay. This variant was not reported in population-based cohorts in the Genome Aggregation Database (gnomAD). Based on the available evidence, this alteration is classified as pathogenic.

Literature cited by the submitters: PubMed 18790697.

NM_001148.6(ANK2):c.9115del (p.Asp3039fs)

Gene: ANK2 (ankyrin 2; plus strand). Cytogenetic location: 4q26.
Variant type: Deletion.
Coding change: c.9115del on transcript NM_001148.6 (MANE Select); coding-DNA position 9115, one base deleted (G; older notation c.9115delG).
Protein change: p.Asp3039fs; shifts the reading frame from aspartic acid 3039.
Molecular consequence: frameshift variant. On other transcripts: intron variant (68).
Genome position (GRCh38, 1-based): chr4:113,357,733, G deleted. VCF-style (leftmost placement, unchanged base first): chr4-113357732-TG-T. GRCh37 (hg19) VCF-style: chr4-114278888-TG-T.
Other names: c.8881del, p.Asp2961fs (NM_001386142.1); c.5515del, p.Asp1839fs (NM_001386166.1); c.9256del, p.Asp3086fs (NM_001386174.1); c.9232del, p.Asp3078fs (NM_001386175.1); c.4412-3090del (NM_001386186.2, NM_001386148.2); c.4214-3090del (NM_001354269.3); c.4292-3090del (NM_001386187.2); c.4253-3090del (NM_001386147.1); and 35 more; short protein forms D3078fs, D2961fs, D1839fs, D3086fs, D3039fs.
Identifiers: ClinVar variation 3119609 (VCV003119609.1), dbSNP rs2505926865, ClinGen allele CA2825001283.